The following is an entry in ClinVar:

NM_025081.3(NYNRIN):c.5517G>C (p.Arg1839Ser)

Gene: NYNRIN (NYN domain and retroviral integrase containing; plus strand). Cytogenetic location: 14q12.
Variant type: single nucleotide variant.
Coding change: c.5517G>C on transcript NM_025081.3 (MANE Select); coding-DNA position 5517, G replaced by C.
Protein change: p.Arg1839Ser; replaces arginine 1839 with serine.
Molecular consequence: missense variant.
Genome position (GRCh38, 1-based): chr14:24,417,266, G>C. VCF-style: chr14-24417266-G-C. GRCh37 (hg19) VCF-style: chr14-24886472-G-C.
Other names: short protein forms R1839S.
Identifiers: ClinVar variation 4705820 (VCV004705820.1).

ClinVar aggregate classification (germline): Uncertain significance (1 of 4 stars; one submission).

gnomAD v4.1: 19 of 1,614,062 alleles (0.0012%); highest among the groups gnomAD compares: Non-Finnish European, 0.0016%; no homozygotes.

Submission:

Labcorp Genetics (formerly Invitae), Labcorp
Classification: Uncertain significance. Last evaluated: 2025-11-09. Review status: criteria provided, single submitter. Criteria: Invitae Variant Classification Sherloc (09022015). Collection method: clinical testing. Allele origin: germline.
Comment: This sequence change replaces arginine, which is basic and polar, with serine, which is neutral and polar, at codon 1839 of the NYNRIN protein (p.Arg1839Ser). This variant is present in population databases (no rsID available, gnomAD 0.0009%). This variant has not been reported in the literature in individuals affected with NYNRIN-related conditions. Experimental studies and prediction algorithms are not available or were not evaluated, and the functional significance of this variant is currently unknown. In summary, the available evidence is currently insufficient to determine the role of this variant in disease. Therefore, it has been classified as a Variant of Uncertain Significance.